The following is an entry in ClinVar:

NM_003865.3(HESX1):c.34G>A (p.Gly12Arg)

Gene: HESX1 (HESX homeobox 1; minus strand). Cytogenetic location: 3p14.3.
Variant type: single nucleotide variant.
Coding change: c.34G>A on transcript NM_003865.3 (MANE Select); coding-DNA position 34, G replaced by A.
Protein change: p.Gly12Arg; replaces glycine 12 with arginine.
Molecular consequence: missense variant.
Genome position (GRCh38, 1-based): chr3:57,199,885, C>T on the plus strand (G>A on the coding strand, the complement: HESX1 is on the minus strand). VCF-style: chr3-57199885-C-T. GRCh37 (hg19) VCF-style: chr3-57233913-C-T.
Other names: c.34G>A, p.Gly12Arg (NM_001376058.1, NM_001376059.1, NM_001376060.1 and 1 more transcripts); short protein forms G12R.
Identifiers: ClinVar variation 1523467 (VCV001523467.8), dbSNP rs375305919, ClinGen allele CA2463340.

ClinVar aggregate classification (germline): Uncertain significance (1 of 4 stars; one submission).

Conditions:
Septo-optic dysplasia sequence (SOD). Also called: DE MORSIER SYNDROME; Septo-optic dysplasia. Identifiers: Orphanet 3157, MedGen C0338503, MONDO:0008428, OMIM 182230, HP:0100842.
GROWTH HORMONE DEFICIENCY WITH PITUITARY ANOMALIES. Identifiers: MedGen C2750027, OMIM 182230.

Allele frequency attached by ClinVar (database versions not stated): gnomAD 0.00001; TOPMed 0.00003; ESP Exome Variant Server 0.00015.
gnomAD v4.1: 77 of 1,613,888 alleles (0.0048%); highest among the groups gnomAD compares: Middle Eastern, 0.016%; no homozygotes.

Submission:

Labcorp Genetics (formerly Invitae), Labcorp
Classification: Uncertain significance for GROWTH HORMONE DEFICIENCY WITH PITUITARY ANOMALIES; Septo-optic dysplasia sequence. Last evaluated: 2024-01-15. Review status: criteria provided, single submitter. Criteria: Invitae Variant Classification Sherloc (09022015). Collection method: clinical testing. Allele origin: germline.
Comment: This sequence change replaces glycine, which is neutral and non-polar, with arginine, which is basic and polar, at codon 12 of the HESX1 protein (p.Gly12Arg). This variant is present in population databases (rs375305919, gnomAD 0.005%). This variant has not been reported in the literature in individuals affected with HESX1-related conditions. ClinVar contains an entry for this variant (Variation ID: 1523467). Algorithms developed to predict the effect of missense changes on protein structure and function output the following: SIFT: "Not Available"; PolyPhen-2: "Benign"; Align-GVGD: "Not Available". The arginine amino acid residue is found in multiple mammalian species, which suggests that this missense change does not adversely affect protein function. In summary, the available evidence is currently insufficient to determine the role of this variant in disease. Therefore, it has been classified as a Variant of Uncertain Significance.